The following is an entry in ClinVar:

NM_021800.3(DNAJC12):c.502+1G>A

Gene: DNAJC12 (DnaJ heat shock protein family (Hsp40) member C12; minus strand). Cytogenetic location: 10q21.3.
Variant type: single nucleotide variant.
Coding change: c.502+1G>A on transcript NM_021800.3 (MANE Select); the canonical splice donor site of the intron after coding-DNA position 502, G replaced by A.
Molecular consequence: splice donor variant.
Genome position (GRCh38, 1-based): chr10:67,805,582, C>T on the plus strand (G>A on the coding strand, the complement: DNAJC12 is on the minus strand). VCF-style: chr10-67805582-C-T. GRCh37 (hg19) VCF-style: chr10-69565340-C-T.
Identifiers: ClinVar variation 1457343 (VCV001457343.8), dbSNP rs755829473, ClinGen allele CA5520797.

ClinVar aggregate classification (germline): Pathogenic (1 of 4 stars; one submission).

Allele frequency attached by ClinVar (database versions not stated): gnomAD exomes below 0.00001; ExAC 0.00001.

Submission:

Labcorp Genetics (formerly Invitae), Labcorp
Classification: Pathogenic. Last evaluated: 2022-05-27. Review status: criteria provided, single submitter. Criteria: Invitae Variant Classification Sherloc (09022015). Collection method: clinical testing. Allele origin: germline.
Comment: This sequence change affects a donor splice site in intron 4 of the DNAJC12 gene. While this variant is not anticipated to result in nonsense mediated decay, it likely alters RNA splicing and results in a disrupted protein product. This variant is not present in population databases (gnomAD no frequency). This variant has not been reported in the literature in individuals affected with DNAJC12-related conditions. Variants that disrupt the consensus splice site are a relatively common cause of aberrant splicing (PMID: 17576681, 9536098). Algorithms developed to predict the effect of sequence changes on RNA splicing suggest that this variant may disrupt the consensus splice site. This variant disrupts a region of the DNAJC12 protein in which other variant(s) (p.Trp175*) have been determined to be pathogenic (PMID: 30626930, 32333439). This suggests that this is a clinically significant region of the protein, and that variants that disrupt it are likely to be disease-causing. For these reasons, this variant has been classified as Pathogenic.

Literature cited by the submitters: PubMed 17576681; PubMed 9536098; PubMed 30626930; PubMed 32333439.